The following is an entry in ClinVar:

ClinVar aggregate classification (germline): Uncertain significance (1 of 4 stars; one submission).

gnomAD v4.1: 1 of 1,614,200 alleles (0.000062%); highest among the groups gnomAD compares: Admixed American, 0.0017%; no homozygotes.

Submission:

Labcorp Genetics (formerly Invitae), Labcorp
Classification: Uncertain significance. Last evaluated: 2020-03-23. Review status: criteria provided, single submitter. Criteria: Invitae Variant Classification Sherloc (09022015). Collection method: clinical testing. Allele origin: germline.
Comment: In summary, the available evidence is currently insufficient to determine the role of this variant in disease. Therefore, it has been classified as a Variant of Uncertain Significance. Algorithms developed to predict the effect of missense changes on protein structure and function are either unavailable or do not agree on the potential impact of this missense change (SIFT: "Tolerated"; PolyPhen-2: "Probably Damaging"; Align-GVGD: "Class C0"). This variant has not been reported in the literature in individuals with CNGB1-related conditions. This variant is not present in population databases (ExAC no frequency). This sequence change replaces leucine with isoleucine at codon 1113 of the CNGB1 protein (p.Leu1113Ile). The leucine residue is moderately conserved and there is a small physicochemical difference between leucine and isoleucine.

NM_001297.5(CNGB1):c.3337C>A (p.Leu1113Ile)

Gene: CNGB1 (cyclic nucleotide gated channel subunit beta 1; minus strand). Cytogenetic location: 16q21.
Variant type: single nucleotide variant.
Coding change: c.3337C>A on transcript NM_001297.5 (MANE Select); coding-DNA position 3337, C replaced by A.
Protein change: p.Leu1113Ile; replaces leucine 1113 with isoleucine.
Molecular consequence: missense variant.
Genome position (GRCh38, 1-based): chr16:57,887,980, G>T on the plus strand (C>A on the coding strand, the complement: CNGB1 is on the minus strand). VCF-style: chr16-57887980-G-T. GRCh37 (hg19) VCF-style: chr16-57921884-G-T.
Other names: c.3319C>A, p.Leu1107Ile (NM_001286130.2); short protein forms L1107I, L1113I.
Identifiers: ClinVar variation 1058702 (VCV001058702.9), dbSNP rs1218592501, ClinGen allele CA396062134.
Genomic context (GRCh38, chr16:57,887,980, plus strand): 5'-GGAGGTGAGCAAGTTTGCCGCCTTTTGCCCCCTTGCCACCCATCTTTCCTGTCATAGCGA[G>T]GGCAGCGTTGAAGAGCTTTGGGGTGCCCGCCCGGGGTGGAAGGATCAGCACGCTCTTCTC-3'
Protein context (NP_001288.3, residues 1103-1123): AGTPKLFNAA[Leu1113Ile]AMTGKMGGKG